The following is an entry in ClinVar:

NM_002230.4(JUP):c.1333G>C (p.Ala445Pro)

Gene: JUP (junction plakoglobin; minus strand). Cytogenetic location: 17q21.2.
Variant type: single nucleotide variant.
Coding change: c.1333G>C on transcript NM_002230.4 (MANE Select); coding-DNA position 1333, G replaced by C.
Protein change: p.Ala445Pro; replaces alanine 445 with proline.
Molecular consequence: missense variant.
Genome position (GRCh38, 1-based): chr17:41,763,147, C>G on the plus strand (G>C on the coding strand, the complement: JUP is on the minus strand). VCF-style: chr17-41763147-C-G. GRCh37 (hg19) VCF-style: chr17-39919399-C-G.
Other names: c.1333G>C, p.Ala445Pro (NM_001352773.2, NM_001352774.2, NM_001352775.2 and 3 more transcripts); short protein forms A445P.
Identifiers: ClinVar variation 264551 (VCV000264551.22), dbSNP rs782465430, ClinGen allele CA8565232.
Genomic context (GRCh38, chr17:41,763,147, plus strand): 5'-GGCTAGTGAGGTGGCGCAGAGCGCAGACGGCAGGCTCCGTGATGTCGTCCTTGTCACCAG[C>G]ACGCAGGATGGCATGGATGAGAGCCTCCACACCGCTGTTCTGTGTCACCAGCGTCTTGTT-3'
Protein context (NP_002221.1, residues 435-455): VEALIHAILR[Ala445Pro]GDKDDITEPA

ClinVar aggregate classification (germline): Uncertain significance. Review status: criteria provided, multiple submitters, no conflicts (2 of 4 stars). 3 submissions from 3 submitters: Uncertain significance (3). Last evaluated 2025-10-12.

Conditions:
Naxos disease (NXD). Also called: CARDIOMYOPATHY, ARRHYTHMOGENIC RIGHT VENTRICULAR, WITH SKIN, HAIR, AND NAIL ABNORMALITIES; KERATOSIS PALMOPLANTARIS WITH ARRHYTHMOGENIC CARDIOMYOPATHY; MAL DE NAXOS; PALMOPLANTAR KERATODERMA WITH ARRHYTHMOGENIC RIGHT VENTRICULAR CARDIOMYOPATHY AND WOOLLY HAIR; WOOLLY HAIR, PALMOPLANTAR KERATODERMA, AND CARDIAC ABNORMALITIES. Identifiers: Orphanet 34217, MedGen C1832600, MONDO:0011017, OMIM 601214.
Arrhythmogenic right ventricular dysplasia 12. Also called: ARRHYTHMOGENIC RIGHT VENTRICULAR DYSPLASIA, FAMILIAL, 12. Identifiers: MedGen C1969081, MONDO:0012684, OMIM 611528.
Cardiovascular phenotype. Identifiers: MedGen CN230736.

Allele frequency attached by ClinVar (database versions not stated): TOPMed below 0.00001; gnomAD exomes 0.00001; ExAC 0.00002.
gnomAD v4.1: 10 of 1,614,242 alleles (0.00062%); highest among the groups gnomAD compares: Non-Finnish European, 0.00085%; no homozygotes.

Submissions (3):

Ambry Genetics
Classification: Uncertain significance for Cardiovascular phenotype. Last evaluated: 2025-10-12. Review status: criteria provided, single submitter. Criteria: Ambry Variant Classification Scheme 2023. Collection method: clinical testing. Allele origin: germline.
Comment: The p.A445P variant (also known as c.1333G>C), located in coding exon 7 of the JUP gene, results from a G to C substitution at nucleotide position 1333. The alanine at codon 445 is replaced by proline, an amino acid with highly similar properties. This amino acid position is highly conserved in available vertebrate species. In addition, the in silico prediction for this alteration is inconclusive. Since supporting evidence is limited at this time, the clinical significance of this variant remains unclear.

Labcorp Genetics (formerly Invitae), Labcorp
Classification: Uncertain significance for Arrhythmogenic right ventricular dysplasia 12; Naxos disease. Last evaluated: 2025-06-11. Review status: criteria provided, single submitter. Criteria: Invitae Variant Classification Sherloc (09022015). Collection method: clinical testing. Allele origin: germline.
Comment: This sequence change replaces alanine, which is neutral and non-polar, with proline, which is neutral and non-polar, at codon 445 of the JUP protein (p.Ala445Pro). This variant is present in population databases (rs782465430, gnomAD 0.002%). This variant has not been reported in the literature in individuals affected with JUP-related conditions. ClinVar contains an entry for this variant (Variation ID: 264551). An algorithm developed to predict the effect of missense changes on protein structure and function (PolyPhen-2) suggests that this variant is likely to be disruptive. In summary, the available evidence is currently insufficient to determine the role of this variant in disease. Therefore, it has been classified as a Variant of Uncertain Significance.

ARUP Laboratories, Molecular Genetics and Genomics, ARUP Laboratories
Classification: Uncertain significance. Last evaluated: 2016-12-21. Review status: criteria provided, single submitter. Criteria: ARUP Molecular Germline Variant Investigation Process. Collection method: clinical testing. Allele origin: germline.